The following is an entry in ClinVar:

ClinVar aggregate classification (germline): Uncertain significance (1 of 4 stars; one submission).

Conditions:
Epileptic encephalopathy. Identifiers: MedGen C0543888, HP:0200134.

Submission:

Labcorp Genetics (formerly Invitae), Labcorp
Classification: Uncertain significance for Epileptic encephalopathy. Last evaluated: 2022-04-24. Review status: criteria provided, single submitter. Criteria: Invitae Variant Classification Sherloc (09022015). Collection method: clinical testing. Allele origin: germline.
Comment: In summary, the available evidence is currently insufficient to determine the role of this variant in disease. Therefore, it has been classified as a Variant of Uncertain Significance. Algorithms developed to predict the effect of missense changes on protein structure and function are either unavailable or do not agree on the potential impact of this missense change (SIFT: "Deleterious"; PolyPhen-2: "Possibly Damaging"; Align-GVGD: "Class C15"). This variant has not been reported in the literature in individuals affected with GABBR2-related conditions. This variant is not present in population databases (gnomAD no frequency). This sequence change replaces aspartic acid, which is acidic and polar, with asparagine, which is neutral and polar, at codon 818 of the GABBR2 protein (p.Asp818Asn).

NM_005458.8(GABBR2):c.2452G>A (p.Asp818Asn)

Gene: GABBR2 (gamma-aminobutyric acid type B receptor subunit 2; minus strand). Cytogenetic location: 9q22.33.
Variant type: single nucleotide variant.
Coding change: c.2452G>A on transcript NM_005458.8 (MANE Select); coding-DNA position 2452, G replaced by A.
Protein change: p.Asp818Asn; replaces aspartic acid 818 with asparagine.
Molecular consequence: missense variant.
Genome position (GRCh38, 1-based): chr9:98,299,314, C>T on the plus strand (G>A on the coding strand, the complement: GABBR2 is on the minus strand). VCF-style: chr9-98299314-C-T. GRCh37 (hg19) VCF-style: chr9-101061596-C-T.
Other names: short protein forms D818N.
Identifiers: ClinVar variation 2004054 (VCV002004054.4), dbSNP rs2491188768, ClinGen allele CA374193768.